The following is an entry in ClinVar:

NM_000112.4(SLC26A2):c.1272dup (p.Asn425Ter)

Gene: SLC26A2 (solute carrier family 26 member 2; plus strand). Cytogenetic location: 5q32.
Variant type: Duplication.
Coding change: c.1272dup on transcript NM_000112.4 (MANE Select); coding-DNA position 1272, one base duplicated (T; older notation c.1272dupT).
Protein change: p.Asn425Ter; replaces asparagine 425 with a stop codon.
Molecular consequence: nonsense.
Genome position (GRCh38, 1-based): chr5:149,980,865, T duplicated. VCF-style (leftmost placement, unchanged base first): chr5-149980864-G-GT. GRCh37 (hg19) VCF-style: chr5-149360427-G-GT.
Other names: short protein forms N425*.
Identifiers: ClinVar variation 1456395 (VCV001456395.7), dbSNP rs2113698511, ClinGen allele CA2573139277.

ClinVar aggregate classification (germline): Pathogenic/Likely pathogenic. Review status: criteria provided, multiple submitters, no conflicts (2 of 4 stars). 2 submissions from 2 submitters: Pathogenic (1); Likely pathogenic (1). Last evaluated 2026-02-10.

Conditions:
Multiple epiphyseal dysplasia type 4 (EDM4). Also called: Multiple Epiphyseal Dysplasia, Recessive; SLC26A2-Related Multiple Epiphyseal Dysplasia; MULTIPLE EPIPHYSEAL DYSPLASIA WITH BILAYERED PATELLAE; MULTIPLE EPIPHYSEAL DYSPLASIA WITH CLUBFOOT; MULTIPLE EPIPHYSEAL DYSPLASIA, AUTOSOMAL RECESSIVE. Identifiers: Orphanet 93307, MedGen C1847593, MONDO:0009189, OMIM 226900.
Diastrophic dysplasia (DTD). Also called: Diastrophic dwarfism. Identifiers: Orphanet 628, MedGen C0220726, MONDO:0009107, OMIM 222600.
Achondrogenesis, type IB (ACG1B). Also called: Achondrogenesis Type 1B. Identifiers: Orphanet 932, Orphanet 93298, MedGen C0265274, MONDO:0010966, OMIM 600972.
Atelosteogenesis type II (AO2). Also called: Neonatal osseous dysplasia 1; SLC26A2-Related Atelosteogenesis; NEONATAL OSSEOUS DYSPLASIA I. Identifiers: Orphanet 56304, MedGen C1850554, MONDO:0009727, OMIM 256050.
SLC26A2-related skeletal dysplasia. Identifiers: MedGen CN379209, MONDO:0100592.

Submissions (2):

Myriad Genetics, Inc.
Classification: Likely pathogenic for SLC26A2-related skeletal dysplasia. Last evaluated: 2026-02-10. Review status: criteria provided, single submitter. Criteria: Myriad Autosomal Dominant, Autosomal Recessive and X-Linked Classification Criteria (2023). Collection method: clinical testing. Allele origin: unknown.
Comment: NM_000112.3(SLC26A2):c.1272dupT(N425*) is a nonsense variant classified as likely pathogenic in the context of SLC26A2-related disorders. N425* has not been observed in cases with relevant disease. Relevant functional assessments of this variant are not available in the literature. N425* has not been observed in referenced population frequency databases. In summary, NM_000112.3(SLC26A2):c.1272dupT(N425*) is a nonsense variant in a gene where loss of function is a known mechanism of disease and is predicted to disrupt protein function. Please note: this variant was assessed in the context of healthy population screening.

Labcorp Genetics (formerly Invitae), Labcorp
Classification: Pathogenic for Atelosteogenesis type II; Multiple epiphyseal dysplasia type 4; Achondrogenesis, type IB; Diastrophic dysplasia. Last evaluated: 2021-10-23. Review status: criteria provided, single submitter. Criteria: Invitae Variant Classification Sherloc (09022015). Collection method: clinical testing. Allele origin: germline.
Comment: This sequence change creates a premature translational stop signal (p.Asn425*) in the SLC26A2 gene. While this is not anticipated to result in nonsense mediated decay, it is expected to disrupt the last 315 amino acid(s) of the SLC26A2 protein. This variant is not present in population databases (ExAC no frequency). For these reasons, this variant has been classified as Pathogenic. This variant disrupts a region of the SLC26A2 protein in which other variant(s) (p.Ser448*) have been determined to be pathogenic (Invitae). This suggests that this is a clinically significant region of the protein, and that variants that disrupt it are likely to be disease-causing. This variant has not been reported in the literature in individuals affected with SLC26A2-related conditions.